The following is an entry in ClinVar:

ClinVar aggregate classification (germline): Uncertain significance (1 of 4 stars; one submission).

Conditions:
Inborn genetic diseases. Identifiers: MedGen C0950123, MeSH D030342.

Allele frequency attached by ClinVar (database versions not stated): TOPMed below 0.00001; gnomAD 0.00001; gnomAD exomes 0.00002.
gnomAD v4.1: 29 of 1,481,628 alleles (0.002%); highest among the groups gnomAD compares: Non-Finnish European, 0.0026%; no homozygotes.

Submission:

Ambry Genetics
Classification: Uncertain significance for Inborn genetic diseases. Last evaluated: 2020-10-06. Review status: criteria provided, single submitter. Criteria: Ambry Variant Classification Scheme 2023. Collection method: clinical testing. Allele origin: germline.
Comment: The c.1267T>G (p.S423A) alteration is located in coding exon 18 of the CAMK2B gene. This alteration results from a T to G substitution at nucleotide position 1267, causing the serine (S) at amino acid position 423 to be replaced by an alanine (A). Based on data from the Genome Aggregation Database (gnomAD), the CAMK2B c.1267T>G alteration was not observed, with coverage at this position. This amino acid position is not well conserved in available vertebrate species. The p.S423A alteration is predicted to be tolerated by in silico analysis. Based on insufficient or conflicting evidence, the clinical significance of this alteration remains unclear.

NM_001220.5(CAMK2B):c.1267T>G (p.Ser423Ala)

Gene: CAMK2B (calcium/calmodulin dependent protein kinase II beta; minus strand). Cytogenetic location: 7p13.
Variant type: single nucleotide variant.
Coding change: c.1267T>G on transcript NM_001220.5 (MANE Select); coding-DNA position 1267, T replaced by G.
Protein change: p.Ser423Ala; replaces serine 423 with alanine.
Molecular consequence: missense variant. On other transcripts: intron variant (8).
Genome position (GRCh38, 1-based): chr7:44,229,460, A>C on the plus strand (T>G on the coding strand, the complement: CAMK2B is on the minus strand). VCF-style: chr7-44229460-A-C. GRCh37 (hg19) VCF-style: chr7-44269059-A-C.
Other names: c.947-8559T>G (NM_172084.3); c.1150+1546T>G (NM_172080.3); c.1036+1546T>G (NM_172083.3); c.1108+1546T>G (NM_172081.3); c.1153+1546T>G (NM_172079.3, NM_172082.3); c.1225+1546T>G (NM_001293170.2, NM_172078.3); short protein forms S423A.
Identifiers: ClinVar variation 2227839 (VCV002227839.2), dbSNP rs1216676516, ClinGen allele CA367374556.
Genomic context (GRCh38, chr7:44,229,460, plus strand): 5'-GGGGGCTAAAGGGAGCCGGAGATGGGCAGGGCAGGGGCCCCTCGGCTTCTGGGGCTCCCG[A>C]GCCCCTCCTCACTGAGCTCAGGATGTCGGGGACCCTGGGGGCTGAGGCGGAACAGGTGAG-3'
Protein context (NP_001211.3, residues 413-433): PDILSSVRRG[Ser423Ala]GAPEAEGPLP